The following is an entry in ClinVar:

NM_001378120.1(MBD5):c.5103_5104del (p.Met1701fs)

Gene: MBD5 (methyl-CpG binding domain protein 5; plus strand). Cytogenetic location: 2q23.1.
Variant type: Deletion.
Coding change: c.5103_5104del on transcript NM_001378120.1 (MANE Select); coding-DNA positions 5103 to 5104, 2 bases deleted (GT; older notation c.5103_5104delGT).
Protein change: p.Met1701fs; shifts the reading frame from methionine 1701.
Molecular consequence: frameshift variant.
Genome position (GRCh38, 1-based): chr2:148,510,126-148,510,127, GT deleted; deleting any 2 consecutive bases within chr2:148,510,125-148,510,127 gives the same sequence; the c. name uses the placement nearest the transcript's 3' end. VCF-style (leftmost placement, unchanged base first): chr2-148510124-ATG-A. GRCh37 (hg19) VCF-style: chr2-149267693-ATG-A.
Other names: c.4404_4405del, p.Met1468fs (NM_018328.5); short protein forms M1701fs, M1468fs.
Identifiers: ClinVar variation 2017023 (VCV002017023.5), dbSNP rs2470171973, ClinGen allele CA2580063855.

ClinVar aggregate classification (germline): Uncertain significance. Review status: criteria provided, multiple submitters, no conflicts (2 of 4 stars). 2 submissions from 2 submitters: Uncertain significance (2). Last evaluated 2025-04-16.

Conditions:
Intellectual developmental disorder, autosomal dominant 1. Also called: MBD5 Haploinsufficiency; Intellectual disability, autosomal dominant 1. Identifiers: Orphanet 228402, MedGen C1969562, MONDO:0007974, OMIM 156200.

Submissions (2):

Clinical Genomics Laboratory, Washington University in St. Louis
Classification: Uncertain significance for Intellectual developmental disorder, autosomal dominant 1. Last evaluated: 2025-04-16. Review status: criteria provided, single submitter. Criteria: ACMG Guidelines, 2015. Collection method: clinical testing. Allele origin: germline.
Comment: The MBD5 c.5103_5104del (p.Met1701Ilefs*11) variant, to our knowledge, has not been reported in the medical literature. This variant has been reported in the ClinVar database as a germline variant of uncertain significance by one submitter (Variation ID: 2017023). This variant causes a frameshift by deleting two nucleotides, leading to a premature termination codon; however, because this occurs in the last exon, it is not predicted to lead to nonsense-mediated decay. Due to limited information, and based on ACMG/AMP guidelines for variant interpretation (Richards S et al., PMID: 25741868), the clinical significance of this variant is uncertain at this time.

Labcorp Genetics (formerly Invitae), Labcorp
Classification: Uncertain significance for Intellectual developmental disorder, autosomal dominant 1. Last evaluated: 2022-12-02. Review status: criteria provided, single submitter. Criteria: Invitae Variant Classification Sherloc (09022015). Collection method: clinical testing. Allele origin: germline.
Comment: This sequence change creates a premature translational stop signal (p.Met1468Ilefs*11) in the MBD5 gene. While this is not anticipated to result in nonsense mediated decay, it is expected to disrupt the last 27 amino acid(s) of the MBD5 protein. This variant is not present in population databases (gnomAD no frequency). This variant has not been reported in the literature in individuals affected with MBD5-related conditions. In summary, the available evidence is currently insufficient to determine the role of this variant in disease. Therefore, it has been classified as a Variant of Uncertain Significance. Experimental studies and prediction algorithms are not available or were not evaluated, and the functional significance of this variant is currently unknown.